The following is an entry in ClinVar:

NM_004171.4(SLC1A2):c.680A>C (p.Lys227Thr)

Gene: SLC1A2 (solute carrier family 1 member 2; minus strand). Cytogenetic location: 11p13.
Variant type: single nucleotide variant.
Coding change: c.680A>C on transcript NM_004171.4 (MANE Select); coding-DNA position 680, A replaced by C.
Protein change: p.Lys227Thr; replaces lysine 227 with threonine.
Molecular consequence: missense variant.
Genome position (GRCh38, 1-based): chr11:35,306,124, T>G on the plus strand (A>C on the coding strand, the complement: SLC1A2 is on the minus strand). VCF-style: chr11-35306124-T-G. GRCh37 (hg19) VCF-style: chr11-35327671-T-G.
Other names: c.653A>C, p.Lys218Thr (NM_001195728.3, NM_001252652.2); short protein forms K218T, K227T.
Identifiers: ClinVar variation 2749888 (VCV002749888.3), dbSNP rs1851496113, ClinGen allele CA380127792.
Genomic context (GRCh38, chr11:35,306,124, plus strand): 5'-GCTGGCCTACCTAAGACGTTCATCCCATCCTTGAACTCCAGGCCCTTCTTGATAACCATC[T>G]TAGTCTCCTCCGGCACCTCAGTCACAGTCTCGTTCAACAGAGAGACAACAGCGCTGGTTG-3'
Protein context (NP_004162.2, residues 217-237): ETVTEVPEET[Lys227Thr]MVIKKGLEFK

ClinVar aggregate classification (germline): Uncertain significance (1 of 4 stars; one submission).

Allele frequency attached by ClinVar (database versions not stated): TOPMed below 0.00001.

Submission:

Labcorp Genetics (formerly Invitae), Labcorp
Classification: Uncertain significance. Last evaluated: 2023-08-03. Review status: criteria provided, single submitter. Criteria: Invitae Variant Classification Sherloc (09022015). Collection method: clinical testing. Allele origin: germline.
Comment: In summary, the available evidence is currently insufficient to determine the role of this variant in disease. Therefore, it has been classified as a Variant of Uncertain Significance. Advanced modeling of protein sequence and biophysical properties (such as structural, functional, and spatial information, amino acid conservation, physicochemical variation, residue mobility, and thermodynamic stability) performed at Invitae indicates that this missense variant is not expected to disrupt SLC1A2 protein function. This variant has not been reported in the literature in individuals affected with SLC1A2-related conditions. This variant is not present in population databases (gnomAD no frequency). This sequence change replaces lysine, which is basic and polar, with threonine, which is neutral and polar, at codon 227 of the SLC1A2 protein (p.Lys227Thr).